The following is an entry in ClinVar:

ClinVar aggregate classification (germline): Pathogenic (1 of 4 stars; one submission).

Conditions:
Alport syndrome. Also called: Hemorrhagic familial nephritis; Hemorrhagic hereditary nephritis; Congenital hereditary hematuria. Identifiers: Orphanet 63, MedGen C1567741, MONDO:0018965.

Submission:

Myriad Genetics, Inc.
Classification: Pathogenic for Alport syndrome. Last evaluated: 2025-10-09. Review status: criteria provided, single submitter. Criteria: Myriad Autosomal Dominant, Autosomal Recessive and X-Linked Classification Criteria (2023). Collection method: clinical testing. Allele origin: unknown.
Comment: NM_000091.4(COL4A3):c.3646G>T(G1216*) is expected to be pathogenic in the context of Alport syndrome, COL4A3-related. This variant is predicted to lead to an abnormal or absent protein product due to the creation of a premature termination codon in COL4A3, a gene where loss-of-function variants are known to be pathogenic. Please note: this variant was assessed in the context of healthy population screening.

NM_000091.5(COL4A3):c.3646G>T (p.Gly1216Ter)

Genes: COL4A3 (collagen type IV alpha 3 chain; plus strand), MFF-DT (MFF divergent transcript; minus strand). Cytogenetic location: 2q36.3.
Variant type: single nucleotide variant.
Coding change: c.3646G>T on transcript NM_000091.5 (MANE Select); coding-DNA position 3646, G replaced by T.
Protein change: p.Gly1216Ter; replaces glycine 1216 with a stop codon.
Molecular consequence: nonsense.
Genome position (GRCh38, 1-based): chr2:227,297,754, G>T. VCF-style: chr2-227297754-G-T. GRCh37 (hg19) VCF-style: chr2-228162470-G-T.
Other names: short protein forms G1216*.
Identifiers: ClinVar variation 5015070 (VCV005015070.1).